The following is an entry in ClinVar:

ClinVar aggregate classification (germline): Uncertain significance. Review status: criteria provided, multiple submitters, no conflicts (2 of 4 stars). 3 submissions from 3 submitters: Uncertain significance (3). Last evaluated 2025-12-20.

Conditions:
Short-rib thoracic dysplasia 14 with polydactyly (SRTD14). Identifiers: Orphanet 397715, MedGen C4225286, MONDO:0014688, OMIM 616546.
Joubert syndrome 23 (JBTS23). Identifiers: Orphanet 475, MedGen C4084822, MONDO:0014664, OMIM 616490.

Allele frequency attached by ClinVar (database versions not stated): gnomAD exomes 0.00010 and 0.00022; gnomAD 0.00020 and 0.00017; TOPMed 0.00031.
gnomAD v4.1: 170 of 1,535,590 alleles (0.011%); highest among the groups gnomAD compares: Admixed American, 0.11%; no homozygotes.

Submissions (3):

Labcorp Genetics (formerly Invitae), Labcorp
Classification: Uncertain significance for Joubert syndrome 23; Short-rib thoracic dysplasia 14 with polydactyly. Last evaluated: 2025-12-20. Review status: criteria provided, single submitter. Criteria: Invitae Variant Classification Sherloc (09022015). Collection method: clinical testing. Allele origin: germline.
Comment: This sequence change affects the initiator codon of the KIAA0586 mRNA. This change may impact translation initiation or efficiency. The next in-frame methionine is located at codon 13. This variant is present in population databases (rs753810786, gnomAD 0.08%). This variant has not been reported in the literature in individuals affected with KIAA0586-related conditions. ClinVar contains an entry for this variant (Variation ID: 1375585). Experimental studies and prediction algorithms are not available or were not evaluated, and the functional significance of this variant is currently unknown. In summary, the available evidence is currently insufficient to determine the role of this variant in disease. Therefore, it has been classified as a Variant of Uncertain Significance.

Blueprint Genetics
Classification: Uncertain significance. Last evaluated: 2024-07-14. Review status: criteria provided, single submitter. Criteria: ACMG Guidelines, 2015. Collection method: clinical testing. Allele origin: germline.

GeneDx
Classification: Uncertain significance. Last evaluated: 2024-05-08. Review status: criteria provided, single submitter. Criteria: GeneDx Variant Classification Process June 2021. Collection method: clinical testing. Allele origin: germline. Affected: yes.
Comment: Initiation codon variant in a gene for which loss-of-function is a known mechanism of disease; Has not been previously published as pathogenic or benign to our knowledge

NM_001244189.2(KIAA0586):c.3G>A (p.Met1Ile)

Gene: KIAA0586 (KIAA0586; plus strand). Cytogenetic location: 14q23.1.
Variant type: single nucleotide variant.
Coding change: c.3G>A on transcript NM_001244189.2; coding-DNA position 3, G replaced by A.
Protein change: p.Met1Ile; changes the start codon (methionine 1).
Molecular consequence: missense variant, initiator codon variant. On other transcripts: 5 prime UTR variant (3).
Genome position (GRCh38, 1-based): chr14:58,427,631, G>A. VCF-style: chr14-58427631-G-A. GRCh37 (hg19) VCF-style: chr14-58894349-G-A.
Other names: c.-45G>A (NM_001244190.2); c.-63G>A (NM_001244191.2, NM_001244192.2); short protein forms M1I.
Identifiers: ClinVar variation 1375585 (VCV001375585.10), dbSNP rs753810786, ClinGen allele CA261632077.